The following is an entry in ClinVar:

NC_000019.9:g.(?_34012630)_(34012666_?)del

Gene: PEPD (peptidase D; minus strand). Cytogenetic location: 19q13.11.
Variant type: Deletion.
Identifiers: ClinVar variation 1433659 (VCV001433659.5).

ClinVar aggregate classification (germline): Pathogenic (1 of 4 stars; one submission).

Submission:

Labcorp Genetics (formerly Invitae), Labcorp
Classification: Pathogenic. Last evaluated: 2022-08-16. Review status: criteria provided, single submitter. Criteria: Invitae Variant Classification Sherloc (09022015). Collection method: clinical testing. Allele origin: germline.
Comment: For these reasons, this variant has been classified as Pathogenic. This variant has not been reported in the literature in individuals affected with PEPD-related conditions. This variant is a gross deletion of the genomic region encompassing exon(s) 1 of the PEPD gene, which includes the initiator codon. This deletion extends beyond the assayed region for this gene and therefore may encompass additional genes. It is expected to result in an absent or disrupted protein product. Loss-of-function variants in PEPD are known to be pathogenic (PMID: 8198124, 10721675, 12384772, 17142620).

Literature cited by the submitters: PubMed 8198124; PubMed 10721675; PubMed 12384772; PubMed 17142620.